The following is an entry in ClinVar:

NM_001365536.1(SCN9A):c.187T>A (p.Tyr63Asn)

Gene: SCN9A (sodium voltage-gated channel alpha subunit 9; minus strand). Cytogenetic location: 2q24.3.
Variant type: single nucleotide variant.
Coding change: c.187T>A on transcript NM_001365536.1 (MANE Select); coding-DNA position 187, T replaced by A.
Protein change: p.Tyr63Asn; replaces tyrosine 63 with asparagine.
Molecular consequence: missense variant.
Genome position (GRCh38, 1-based): chr2:166,311,570, A>T on the plus strand (T>A on the coding strand, the complement: SCN9A is on the minus strand). VCF-style: chr2-166311570-A-T. GRCh37 (hg19) VCF-style: chr2-167168080-A-T.
Other names: c.187T>A, p.Tyr63Asn (NM_002977.4); short protein forms Y63N.
Identifiers: ClinVar variation 1915510 (VCV001915510.5), dbSNP rs1698959487, ClinGen allele CA349095919.

ClinVar aggregate classification (germline): Uncertain significance (1 of 4 stars; one submission).

Conditions:
Neuropathy, hereditary sensory and autonomic, type 2A (HSAN2A). Also called: ACROOSTEOLYSIS, GIACCAI TYPE; ACROOSTEOLYSIS, NEUROGENIC; WNK1-Related HSAN2 (HSAN2A); MORVAN DISEASE; NEUROPATHY, CONGENITAL SENSORY; NEUROPATHY, HEREDITARY SENSORY RADICULAR, AUTOSOMAL RECESSIVE. Identifiers: Orphanet 970, MedGen C2752089, MONDO:0024309, OMIM 201300.
Generalized epilepsy with febrile seizures plus, type 7 (GEFSP7). Also called: GEFS+, TYPE 7. Identifiers: Orphanet 36387, MedGen C2751778, MONDO:0013470, OMIM 613863.

Submission:

Labcorp Genetics (formerly Invitae), Labcorp
Classification: Uncertain significance for Neuropathy, hereditary sensory and autonomic, type 2A; Generalized epilepsy with febrile seizures plus, type 7. Last evaluated: 2022-06-14. Review status: criteria provided, single submitter. Criteria: Invitae Variant Classification Sherloc (09022015). Collection method: clinical testing. Allele origin: germline.
Comment: This sequence change replaces tyrosine, which is neutral and polar, with asparagine, which is neutral and polar, at codon 63 of the SCN9A protein (p.Tyr63Asn). This variant is not present in population databases (gnomAD no frequency). This variant has not been reported in the literature in individuals affected with SCN9A-related conditions. Algorithms developed to predict the effect of missense changes on protein structure and function are either unavailable or do not agree on the potential impact of this missense change (SIFT: "Tolerated"; PolyPhen-2: "Probably Damaging"; Align-GVGD: "Class C0"). In summary, the available evidence is currently insufficient to determine the role of this variant in disease. Therefore, it has been classified as a Variant of Uncertain Significance.